The following is an entry in ClinVar:

NM_015100.4(POGZ):c.1982A>C (p.Asp661Ala)

Gene: POGZ (pogo transposable element derived with ZNF domain; minus strand). Cytogenetic location: 1q21.3.
Variant type: single nucleotide variant.
Coding change: c.1982A>C on transcript NM_015100.4 (MANE Select); coding-DNA position 1982, A replaced by C.
Protein change: p.Asp661Ala; replaces aspartic acid 661 with alanine.
Molecular consequence: missense variant.
Genome position (GRCh38, 1-based): chr1:151,408,773, T>G on the plus strand (A>C on the coding strand, the complement: POGZ is on the minus strand). VCF-style: chr1-151408773-T-G. GRCh37 (hg19) VCF-style: chr1-151381249-T-G.
Other names: c.1955A>C, p.Asp652Ala (NM_001194937.2); c.1796A>C, p.Asp599Ala (NM_001194938.2); c.2003A>C, p.Asp668Ala (NM_001410860.1); c.1697A>C, p.Asp566Ala (NM_145796.4); c.1823A>C, p.Asp608Ala (NM_207171.2); short protein forms D566A, D599A, D608A, D652A, D661A, D668A.
Identifiers: ClinVar variation 2444692 (VCV002444692.26), dbSNP rs2529248357, ClinGen allele CA341959964.

ClinVar aggregate classification (germline): Uncertain significance. Review status: criteria provided, multiple submitters, no conflicts (2 of 4 stars). 2 submissions from 2 submitters: Uncertain significance (2). Last evaluated 2025-10-01.

gnomAD v4.1: 2 of 1,614,086 alleles (0.00012%); highest among the groups gnomAD compares: Non-Finnish European, 0.00017%; no homozygotes.

Submissions (2):

GeneDx
Classification: Uncertain significance. Last evaluated: 2025-10-01. Review status: criteria provided, single submitter. Criteria: GeneDx Variant Classification Process June 2021. Collection method: clinical testing. Allele origin: germline.
Comment: Not observed at significant frequency in large population cohorts (gnomAD); In silico analysis supports that this missense variant has a deleterious effect on protein structure/function; Has not been previously published as pathogenic or benign to our knowledge

CeGaT Center for Human Genetics Tuebingen
Classification: Uncertain significance. Last evaluated: 2022-05-01. Review status: criteria provided, single submitter. Criteria: CeGaT Center For Human Genetics Tuebingen Variant Classification Criteria Version 2. Collection method: clinical testing. Allele origin: germline. Affected: yes. Observed: 1 variant allele.
Comment: POGZ: PM2, PP2